The following is an entry in ClinVar:

ClinVar aggregate classification (germline): Uncertain significance. Review status: criteria provided, multiple submitters, no conflicts (2 of 4 stars). 5 submissions from 4 submitters: Uncertain significance (5). Last evaluated 2025-11-02.

Conditions:
SDCCAG8-related disorder. Also called: SDCCAG8-Related Disorders; SDCCAG8-related condition.
Senior-Loken syndrome 7 (SLSN7). Identifiers: Orphanet 3156, MedGen C3150877, MONDO:0013326, OMIM 613615.
Bardet-Biedl syndrome 16 (BBS16). Identifiers: Orphanet 110, MedGen C3889474, MONDO:0014444, OMIM 615993.

Allele frequency attached by ClinVar (database versions not stated): gnomAD exomes below 0.00001.
gnomAD v4.1: 1 of 1,613,852 alleles (0.000062%); highest among the groups gnomAD compares: Admixed American, 0.0017%; no homozygotes.

Submissions (5):

PreventionGenetics, part of Exact Sciences
Classification: Uncertain significance for SDCCAG8-related condition. Last evaluated: 2025-11-02. Review status: criteria provided, single submitter. Criteria: ACMG Guidelines, 2015. Collection method: clinical testing. Allele origin: germline.
Comment: The SDCCAG8 c.1356G>A variant is not predicted to result in an amino acid change (p.=). This variant is located at the last nucleotide of the exon and is predicted to weaken the canonical splice donor site. To our knowledge, this variant has not been reported in the literature. This variant is reported in 0.0029% of alleles in individuals of Latino descent in gnomAD. At this time, the clinical significance of this variant is uncertain due to the absence of conclusive functional and genetic evidence.

GeneDx
Classification: Uncertain significance. Last evaluated: 2024-07-16. Review status: criteria provided, single submitter. Criteria: GeneDx Variant Classification Process June 2021. Collection method: clinical testing. Allele origin: germline. Affected: yes.
Comment: Not observed at significant frequency in large population cohorts (gnomAD); In silico analysis indicates that this variant does not alter splicing; Has not been previously published as pathogenic or benign to our knowledge

Labcorp Genetics (formerly Invitae), Labcorp
Classification: Uncertain significance for Bardet-Biedl syndrome 16; Senior-Loken syndrome 7. Last evaluated: 2022-06-03. Review status: criteria provided, single submitter. Criteria: Invitae Variant Classification Sherloc (09022015). Collection method: clinical testing. Allele origin: germline.
Comment: This variant has not been reported in the literature in individuals affected with SDCCAG8-related conditions. In summary, the available evidence is currently insufficient to determine the role of this variant in disease. Therefore, it has been classified as a Variant of Uncertain Significance. Variants that disrupt the consensus splice site are a relatively common cause of aberrant splicing (PMID: 17576681, 9536098). Algorithms developed to predict the effect of sequence changes on RNA splicing suggest that this variant is not likely to affect RNA splicing. ClinVar contains an entry for this variant (Variation ID: 296912). This variant is present in population databases (no rsID available, gnomAD 0.003%). This sequence change affects codon 452 of the SDCCAG8 mRNA. It is a 'silent' change, meaning that it does not change the encoded amino acid sequence of the SDCCAG8 protein. This variant also falls at the last nucleotide of exon 11, which is part of the consensus splice site for this exon.

Illumina Laboratory Services, Illumina
Classification: Uncertain significance for Senior-Loken syndrome 7. Last evaluated: 2018-01-13. Review status: criteria provided, single submitter. Criteria: ICSL Variant Classification Criteria 13 December 2019. Collection method: clinical testing. Allele origin: germline.

Illumina Laboratory Services, Illumina
Classification: Uncertain significance for Bardet-Biedl syndrome 16. Last evaluated: 2018-01-13. Review status: criteria provided, single submitter. Criteria: ICSL Variant Classification Criteria 13 December 2019. Collection method: clinical testing. Allele origin: germline.

Literature cited by the submitters: PubMed 17576681 (cited by Labcorp Genetics (formerly Invitae), Labcorp); PubMed 9536098 (cited by Labcorp Genetics (formerly Invitae), Labcorp).

NM_006642.5(SDCCAG8):c.1356G>A (p.Lys452=)

Gene: SDCCAG8 (SHH signaling and ciliogenesis regulator SDCCAG8; plus strand). Cytogenetic location: 1q43.
Variant type: single nucleotide variant.
Coding change: c.1356G>A on transcript NM_006642.5 (MANE Select); coding-DNA position 1356, G replaced by A.
Protein change: p.Lys452=; no amino-acid change (lysine 452 retained).
Molecular consequence: synonymous variant.
Genome position (GRCh38, 1-based): chr1:243,341,173, G>A. VCF-style: chr1-243341173-G-A. GRCh37 (hg19) VCF-style: chr1-243504475-G-A.
Other names: c.453G>A, p.Lys151= (NM_001350246.2, NM_001350247.2, NM_001350251.2); c.1452G>A, p.Lys484= (NM_001350248.2); c.1062G>A, p.Lys354= (NM_001350249.2).
Identifiers: ClinVar variation 296912 (VCV000296912.12), dbSNP rs1057515483, ClinGen allele CA10610842.
Genomic context (GRCh38, chr1:243,341,173, plus strand): 5'-TATTAATCAACTGGAGGAAATTCAAAGCCAGCTGGCTTCTCGGGAAATGGATGTCACAAA[G>A]GTACAGAAAGAGATTTTAGTGTAATCGTTACTTAAGGAAATATTTCCTTTGAAAAATGTT-3'
Protein context (NP_006633.1, residues 442-462): QLASREMDVT[Lys452=]VCGEMRYQLN